The following is an entry in ClinVar:

ClinVar aggregate classification (germline): Uncertain significance (1 of 4 stars; one submission).

Submission:

ARUP Laboratories, Molecular Genetics and Genomics, ARUP Laboratories
Classification: Uncertain significance. Last evaluated: 2019-09-11. Review status: criteria provided, single submitter. Criteria: ARUP Molecular Germline Variant Investigation Process. Collection method: clinical testing. Allele origin: germline.
Comment: The BMPR2 c.1379C>G; p.Pro460Arg variant, to our knowledge, is not reported in the medical literature or gene-specific databases. This variant is also absent from general population databases (Exome Variant Server, Genome Aggregation Database), indicating it is not a common polymorphism. The proline at codon 460 is highly conserved, and computational analyses (SIFT, PolyPhen-2) predict that this variant is deleterious. However, due to limited information, the clinical significance of the p.Pro460Arg variant is uncertain at this time.

NM_001204.7(BMPR2):c.1379C>G (p.Pro460Arg)

Gene: BMPR2 (bone morphogenetic protein receptor type 2; plus strand). Cytogenetic location: 2q33.2.
Variant type: single nucleotide variant.
Coding change: c.1379C>G on transcript NM_001204.7 (MANE Select); coding-DNA position 1379, C replaced by G.
Protein change: p.Pro460Arg; replaces proline 460 with arginine.
Molecular consequence: missense variant.
Genome position (GRCh38, 1-based): chr2:202,542,413, C>G. VCF-style: chr2-202542413-C-G. GRCh37 (hg19) VCF-style: chr2-203407136-C-G.
Other names: short protein forms P460R.
Identifiers: ClinVar variation 811366 (VCV000811366.9), dbSNP rs1574500050, ClinGen allele CA350342965.